The following is an entry in ClinVar:

NM_000751.3(CHRND):c.1109G>C (p.Ser370Thr)

Gene: CHRND (cholinergic receptor nicotinic delta subunit; plus strand). Cytogenetic location: 2q37.1.
Variant type: single nucleotide variant.
Coding change: c.1109G>C on transcript NM_000751.3 (MANE Select); coding-DNA position 1109, G replaced by C.
Protein change: p.Ser370Thr; replaces serine 370 with threonine.
Molecular consequence: missense variant.
Genome position (GRCh38, 1-based): chr2:232,533,992, G>C. VCF-style: chr2-232533992-G-C. GRCh37 (hg19) VCF-style: chr2-233398702-G-C.
Other names: c.1064G>C, p.Ser355Thr (NM_001256657.2); c.527G>C, p.Ser176Thr (NM_001311195.2); c.806G>C, p.Ser269Thr (NM_001311196.2); short protein forms S176T, S269T, S370T, S355T.
Identifiers: ClinVar variation 3703186 (VCV003703186.2).
Genomic context (GRCh38, chr2:232,533,992, plus strand): 5'-TCTTCCTGGAGACCCTGCCGGAGCTCCTGCACATGTCCCGCCCAGCAGAGGATGGACCCA[G>C]CCCTGGGGCCCTGGTGCGGAGGAGCAGCTCCCTGGGATACATCTCCAAGGCCGAGGAGTA-3'
Protein context (NP_000742.1, residues 360-380): HMSRPAEDGP[Ser370Thr]PGALVRRSSS

ClinVar aggregate classification (germline): Uncertain significance (1 of 4 stars; one submission).

Conditions:
Lethal multiple pterygium syndrome (LMPS). Identifiers: Orphanet 33108, MedGen C1854678, MONDO:0009668, OMIM 253290.

gnomAD v4.1: 1 of 1,613,862 alleles (0.000062%); highest among the groups gnomAD compares: East Asian, 0.0022%; no homozygotes.

Submission:

Labcorp Genetics (formerly Invitae), Labcorp
Classification: Uncertain significance for Lethal multiple pterygium syndrome. Last evaluated: 2024-01-25. Review status: criteria provided, single submitter. Criteria: Invitae Variant Classification Sherloc (09022015). Collection method: clinical testing. Allele origin: germline.
Comment: This sequence change replaces serine, which is neutral and polar, with threonine, which is neutral and polar, at codon 370 of the CHRND protein (p.Ser370Thr). This variant is present in population databases (no rsID available, gnomAD 0.006%). This variant has not been reported in the literature in individuals affected with CHRND-related conditions. Advanced modeling of protein sequence and biophysical properties (such as structural, functional, and spatial information, amino acid conservation, physicochemical variation, residue mobility, and thermodynamic stability) performed at Invitae indicates that this missense variant is not expected to disrupt CHRND protein function with a negative predictive value of 80%. In summary, the available evidence is currently insufficient to determine the role of this variant in disease. Therefore, it has been classified as a Variant of Uncertain Significance.